The following is an entry in ClinVar:

ClinVar aggregate classification (germline): Uncertain significance (1 of 4 stars; one submission).

Conditions:
Growth hormone insensitivity with immune dysregulation 1, autosomal recessive. Also called: GROWTH HORMONE INSENSITIVITY DUE TO POSTRECEPTOR DEFECT; GROWTH HORMONE INSENSITIVITY SYNDROME WITH IMMUNE DYSREGULATION 1, AUTOSOMAL RECESSIVE; Laron syndrome with immunodeficiency; LARON SYNDROME DUE TO POSTRECEPTOR DEFECT. Identifiers: Orphanet 220465, MedGen C5435698, MONDO:0100211, OMIM 245590.

Submission:

Labcorp Genetics (formerly Invitae), Labcorp
Classification: Uncertain significance for Growth hormone insensitivity with immune dysregulation 1, autosomal recessive. Last evaluated: 2024-06-01. Review status: criteria provided, single submitter. Criteria: Invitae Variant Classification Sherloc (09022015). Collection method: clinical testing. Allele origin: germline.
Comment: This sequence change replaces glutamine, which is neutral and polar, with lysine, which is basic and polar, at codon 636 of the STAT5B protein (p.Gln636Lys). This variant is present in population databases (rs367846125, gnomAD 0.007%). This variant has not been reported in the literature in individuals affected with STAT5B-related conditions. An algorithm developed to predict the effect of missense changes on protein structure and function (PolyPhen-2) suggests that this variant is likely to be tolerated. In summary, the available evidence is currently insufficient to determine the role of this variant in disease. Therefore, it has been classified as a Variant of Uncertain Significance.

NM_012448.4(STAT5B):c.1906C>A (p.Gln636Lys)

Gene: STAT5B (signal transducer and activator of transcription 5B; minus strand). Cytogenetic location: 17q21.2.
Variant type: single nucleotide variant.
Coding change: c.1906C>A on transcript NM_012448.4 (MANE Select); coding-DNA position 1906, C replaced by A.
Protein change: p.Gln636Lys; replaces glutamine 636 with lysine.
Molecular consequence: missense variant.
Genome position (GRCh38, 1-based): chr17:42,210,171, G>T on the plus strand (C>A on the coding strand, the complement: STAT5B is on the minus strand). VCF-style: chr17-42210171-G-T. GRCh37 (hg19) VCF-style: chr17-40362189-G-T.
Other names: short protein forms Q636K.
Identifiers: ClinVar variation 3619458 (VCV003619458.2).